The following is an entry in ClinVar:

ClinVar aggregate classification (germline): Uncertain significance. Review status: criteria provided, multiple submitters, no conflicts (2 of 4 stars). 2 submissions from 2 submitters: Uncertain significance (2). Last evaluated 2025-08-06.

Conditions:
Inborn genetic diseases. Identifiers: MedGen C0950123, MeSH D030342.

Submissions (2):

Ambry Genetics
Classification: Uncertain significance for Inborn genetic diseases. Last evaluated: 2025-08-06. Review status: criteria provided, single submitter. Criteria: Ambry Variant Classification Scheme 2023. Collection method: clinical testing. Allele origin: germline.

GeneDx
Classification: Uncertain significance. Last evaluated: 2024-06-26. Review status: criteria provided, single submitter. Criteria: GeneDx Variant Classification Process June 2021. Collection method: clinical testing. Allele origin: germline. Affected: yes.
Comment: Not observed at significant frequency in large population cohorts (gnomAD); In silico analysis indicates that this missense variant does not alter protein structure/function; Has not been previously published as pathogenic or benign to our knowledge

NM_005909.5(MAP1B):c.1867A>G (p.Lys623Glu)

Gene: MAP1B (microtubule associated protein 1B; plus strand). Cytogenetic location: 5q13.2.
Variant type: single nucleotide variant.
Coding change: c.1867A>G on transcript NM_005909.5 (MANE Select); coding-DNA position 1867, A replaced by G.
Protein change: p.Lys623Glu; replaces lysine 623 with glutamic acid.
Molecular consequence: missense variant.
Genome position (GRCh38, 1-based): chr5:72,195,222, A>G. VCF-style: chr5-72195222-A-G. GRCh37 (hg19) VCF-style: chr5-71491049-A-G.
Other names: c.1489A>G, p.Lys497Glu (NM_001324255.2); short protein forms K497E, K623E.
Identifiers: ClinVar variation 3392911 (VCV003392911.2).